The following is an entry in ClinVar:

ClinVar aggregate classification (germline): Likely benign (1 of 4 stars; one submission).

Submission:

GeneDx
Classification: Likely benign. Last evaluated: 2017-04-26. Review status: criteria provided, single submitter. Criteria: GeneDx Variant Classification (06012015). Collection method: clinical testing. Allele origin: germline. Affected: yes.
Comment: This variant is considered likely benign or benign based on one or more of the following criteria: it is a conservative change, it occurs at a poorly conserved position in the protein, it is predicted to be benign by multiple in silico algorithms, and/or has population frequency not consistent with disease.

NM_005334.3(HCFC1):c.503+3G>A

Gene: HCFC1 (host cell factor C1; minus strand). Cytogenetic location: Xq28.
Variant type: single nucleotide variant.
Coding change: c.503+3G>A on transcript NM_005334.3 (MANE Select); 3 bases into the intron after coding-DNA position 503, G replaced by A.
Molecular consequence: intron variant.
Genome position (GRCh38, 1-based): chrX:153,964,121, C>T on the plus strand (G>A on the coding strand, the complement: HCFC1 is on the minus strand). VCF-style: chrX-153964121-C-T. GRCh37 (hg19) VCF-style: chrX-153229572-C-T.
Identifiers: ClinVar variation 509192 (VCV000509192.1), dbSNP rs1557117748, ClinGen allele CA658799908.